The following is an entry in ClinVar:

NM_001006658.3(CR2):c.1425A>T (p.Gly475=)

Gene: CR2 (complement C3d receptor 2; plus strand). Cytogenetic location: 1q32.2.
Variant type: single nucleotide variant.
Coding change: c.1425A>T on transcript NM_001006658.3 (MANE Select); coding-DNA position 1425, A replaced by T.
Protein change: p.Gly475=; no amino-acid change (glycine 475 retained).
Molecular consequence: synonymous variant.
Genome position (GRCh38, 1-based): chr1:207,471,019, A>T. VCF-style: chr1-207471019-A-T. GRCh37 (hg19) VCF-style: chr1-207644364-A-T.
Other names: c.1425A>T, p.Gly475= (NM_001877.5).
Identifiers: ClinVar variation 664937 (VCV000664937.7), dbSNP rs753628062, ClinGen allele CA423138817.

ClinVar aggregate classification (germline): Uncertain significance (1 of 4 stars; one submission).

Conditions:
Immunodeficiency, common variable, 7. Identifiers: Orphanet 1572, Orphanet 696894, MedGen C3542922, MONDO:0013862, OMIM 614699.

Submission:

Labcorp Genetics (formerly Invitae), Labcorp
Classification: Uncertain significance for Immunodeficiency, common variable, 7. Last evaluated: 2018-09-26. Review status: criteria provided, single submitter. Criteria: Invitae Variant Classification Sherloc (09022015). Collection method: clinical testing. Allele origin: germline.
Comment: In summary, the available evidence is currently insufficient to determine the role of this variant in disease. Therefore, it has been classified as a Variant of Uncertain Significance. Algorithms developed to predict the effect of sequence changes on RNA splicing suggest that this variant may create or strengthen a splice site, but this prediction has not been confirmed by published transcriptional studies. This variant has not been reported in the literature in individuals with CR2-related disease. This variant is not present in population databases (ExAC no frequency). This sequence change affects codon 475 of the CR2 mRNA. It is a 'silent' change, meaning that it does not change the encoded amino acid sequence of the CR2 protein.